The following is an entry in ClinVar:

ClinVar aggregate classification (germline): Pathogenic. Review status: criteria provided, multiple submitters, no conflicts (2 of 4 stars). 2 submissions from 2 submitters: Pathogenic (2). Last evaluated 2025-07-23.

Conditions:
Hereditary cancer-predisposing syndrome. Also called: Neoplastic Syndromes, Hereditary; Tumor predisposition; Hereditary neoplastic syndrome; Hereditary Cancer Syndrome. Identifiers: Orphanet 140162, MedGen C0027672, MeSH D009386, MONDO:0015356.

Submissions (2):

Ambry Genetics
Classification: Pathogenic for Hereditary cancer-predisposing syndrome. Last evaluated: 2025-07-23. Review status: criteria provided, single submitter. Criteria: Ambry Variant Classification Scheme 2023. Collection method: clinical testing. Allele origin: germline.
Comment: The c.1301_1302delAG (p.E434Vfs*21) alteration, located in exon 12 (coding exon 9) of the FLCN gene, consists of a deletion of 2 nucleotides from position 1301 to 1302, causing a translational frameshift with a predicted alternate stop codon after 21 amino acids. This alteration is expected to result in loss of function by premature protein truncation or nonsense-mediated mRNA decay. Based on data from gnomAD, this allele has an overall frequency of <0.001% (1/250138) total alleles studied. The highest observed frequency was 0.005% (1/18362) of East Asian alleles. This alteration has been reported in families with Birt-Hogg-Dube syndrome (Furuya, 2016; Lagerstedt-Robinson, 2022). Based on the available evidence, this alteration is classified as pathogenic.

Clinical Genetics Laboratory, Skane University Hospital Lund
Classification: Pathogenic. Last evaluated: 2022-05-27. Review status: criteria provided, single submitter. Criteria: ACMG Guidelines, 2015. Collection method: clinical testing. Allele origin: germline. Affected: yes.

Literature cited by the submitters: PubMed 27220747 (cited by Ambry Genetics); PubMed 35176117 (cited by Ambry Genetics).

NM_144997.5:c.1301_1302del

Gene: FLCN (folliculin; minus strand).
Variant type: Deletion.
Other names: c.1301_1302delAG (NM_144997.5).
Identifiers: ClinVar variation 3229230 (VCV003229230.3).